The following is an entry in ClinVar:

ClinVar aggregate classification (germline): Benign. Review status: reviewed by expert panel (3 of 4 stars). 2 submissions from 2 submitters: Benign (1). 1 of the submissions does not count toward it. Last evaluated 2015-01-12.

Conditions:
Breast-ovarian cancer, familial, susceptibility to, 1 (BROVCA1). Also called: BRCA1 Hereditary Breast and Ovarian Cancer; OVARIAN CANCER, SUSCEPTIBILITY TO. Identifiers: Orphanet 145, MedGen C2676676, MONDO:0011450, OMIM 604370. Disease mechanism: loss of function.

Allele frequency attached by ClinVar (database versions not stated): gnomAD 0.30900 and 0.31649; 1000 Genomes Project 30x 0.34806; TOPMed 0.30264; 1000 Genomes Project 0.35363.
gnomAD v4.1: 48,156 of 152,110 alleles (32%); highest among the groups gnomAD compares: South Asian, 49%; 7,961 homozygotes.

Submissions (2):

Evidence-based Network for the Interpretation of Germline Mutant Alleles (ENIGMA)
Classification: Benign for Breast-ovarian cancer, familial 1. Last evaluated: 2015-01-12. Review status: reviewed by expert panel. Criteria: ENIGMA BRCA1/2 Classification Criteria (2015). Collection method: curation. Allele origin: germline.
Comment: Class 1 not pathogenic based on frequency >1% in an outbred sampleset. Frequency 0.3304 (Asian), 0.2154 (African), 0.3602 (European), derived from 1000 genomes (2012-04-30).

GeneDx
Classification: Benign. Last evaluated: 2018-06-23. Review status: criteria provided, single submitter. Criteria: GeneDx Variant Classification Process June 2021. Collection method: clinical testing. Allele origin: germline. Affected: yes. Not counted in ClinVar's aggregate classification.

NM_007294.4(BRCA1):c.-19-216A>G

Gene: BRCA1 (BRCA1 DNA repair associated; minus strand). Cytogenetic location: 17q21.31.
Variant type: single nucleotide variant.
Coding change: c.-19-216A>G on transcript NM_007294.4 (MANE Select); 216 bases into the intron before 19 bases upstream of the start codon, A replaced by G.
Molecular consequence: intron variant.
Genome position (GRCh38, 1-based): chr17:43,124,331, T>C on the plus strand (A>G on the coding strand, the complement: BRCA1 is on the minus strand). VCF-style: chr17-43124331-T-C. GRCh37 (hg19) VCF-style: chr17-41276348-T-C.
Other names: IVS 1-216A>G; c.-106-216A>G (NM_007297.4); c.-19-216A>G (NM_007299.4, NM_007300.4).
Identifiers: ClinVar variation 209574 (VCV000209574.3), dbSNP rs8176077, ClinGen allele CA276543.
Genomic context (GRCh38, chr17:43,124,331, plus strand): 5'-AAGATTCTAGAAGTTGCTTTTTGTAATTAGACAACATAAATTCTGAATTTTTTCACATAT[T>C]GCTGCCAACCCCTTGGGTCTTTTCCTTTCTCCAAGAAAGAGAAAGCTACAGAGGAGTGAC-3'